The following is an entry in ClinVar:

ClinVar aggregate classification (germline): Uncertain significance (1 of 4 stars; one submission).

Conditions:
Familial cancer of breast. Also called: hereditary breast carcinoma; BREAST CANCER, FAMILIAL; Hereditary breast cancer. Identifiers: Orphanet 227535, MedGen C0346153, MONDO:0016419, OMIM 114480. Disease mechanism: loss of function.

Allele frequency attached by ClinVar (database versions not stated): ExAC 0.00001.

Submission:

Labcorp Genetics (formerly Invitae), Labcorp
Classification: Uncertain significance for Familial cancer of breast. Last evaluated: 2021-08-20. Review status: criteria provided, single submitter. Criteria: Invitae Variant Classification Sherloc (09022015). Collection method: clinical testing. Allele origin: germline.
Comment: In summary, the available evidence is currently insufficient to determine the role of this variant in disease. Therefore, it has been classified as a Variant of Uncertain Significance. Algorithms developed to predict the effect of missense changes on protein structure and function are either unavailable or do not agree on the potential impact of this missense change (SIFT: "Deleterious"; PolyPhen-2: "Probably Damaging"; Align-GVGD: "Class C0"). ClinVar contains an entry for this variant (Variation ID: 939672). This variant has not been reported in the literature in individuals affected with CHEK2-related conditions. This variant is present in population databases (rs768973809, ExAC 0.001%). This sequence change replaces glutamine with glutamic acid at codon 330 of the CHEK2 protein (p.Gln330Glu). The glutamine residue is highly conserved and there is a small physicochemical difference between glutamine and glutamic acid.

NM_007194.4(CHEK2):c.988C>G (p.Gln330Glu)

Gene: CHEK2 (checkpoint kinase 2; minus strand). Cytogenetic location: 22q12.1.
Variant type: single nucleotide variant.
Coding change: c.988C>G on transcript NM_007194.4 (MANE Select); coding-DNA position 988, C replaced by G.
Protein change: p.Gln330Glu; replaces glutamine 330 with glutamic acid.
Molecular consequence: missense variant.
Genome position (GRCh38, 1-based): chr22:28,699,858, G>C on the plus strand (C>G on the coding strand, the complement: CHEK2 is on the minus strand). VCF-style: chr22-28699858-G-C. GRCh37 (hg19) VCF-style: chr22-29095846-G-C.
Other names: c.1117C>G, p.Gln373Glu (NM_001005735.3); c.325C>G, p.Gln109Glu (NM_001257387.3); c.787C>G, p.Gln263Glu (NM_001349956.3); c.988C>G, p.Gln330Glu (NM_145862.3); short protein forms Q330E, Q263E, Q109E, Q373E.
Identifiers: ClinVar variation 939672 (VCV000939672.10), dbSNP rs768973809, ClinGen allele CA10167767.